The following is an entry in ClinVar:

NM_174936.4(PCSK9):c.1011G>A (p.Gly337=)

Gene: PCSK9 (proprotein convertase subtilisin/kexin type 9; plus strand). Cytogenetic location: 1p32.3.
Variant type: single nucleotide variant.
Coding change: c.1011G>A on transcript NM_174936.4 (MANE Select); coding-DNA position 1011, G replaced by A.
Protein change: p.Gly337=; no amino-acid change (glycine 337 retained).
Molecular consequence: synonymous variant. On other transcripts: non-coding transcript variant (7).
Genome position (GRCh38, 1-based): chr1:55,057,345, G>A. VCF-style: chr1-55057345-G-A. GRCh37 (hg19) VCF-style: chr1-55523018-G-A.
Other names: c.1134G>A, p.Gly378= (NM_001407240.1); c.1011G>A, p.Gly337= (NM_001407241.1, NM_001407244.1, NM_001407247.1); c.1014G>A, p.Gly338= (NM_001407242.1); c.954G>A, p.Gly318= (NM_001407243.1); c.819G>A, p.Gly273= (NM_001407245.1); c.636G>A, p.Gly212= (NM_001407246.1).
Identifiers: ClinVar variation 918636 (VCV000918636.11), dbSNP rs746723269, ClinGen allele CA034607.
Genomic context (GRCh38, chr1:55,057,345, plus strand): 5'-CTCTCTTGGGCTCCTTTCTCTGCCACCCACCTCCTCACCTTTCCAGGTCATCACAGTTGG[G>A]GCCACCAATGCCCAAGACCAGCCGGTGACCCTGGGGACTTTGGGGACCAACTTTGGCCGC-3'
Protein context (NP_777596.2, residues 327-347): PASAPEVITV[Gly337=]ATNAQDQPVT

ClinVar aggregate classification (germline): Likely benign. Review status: criteria provided, multiple submitters, no conflicts (2 of 4 stars). 6 submissions from 6 submitters: Likely benign (5). 1 of the submissions does not count toward it. Last evaluated 2025-08-21.

Conditions:
PCSK9-related disorder. Also called: PCSK9-related disorders; PCSK9-related condition.
Hypercholesterolemia, autosomal dominant, 3 (FHCL3). Also called: PCSK9-Related Familial Hypercholesterolemia, Autosomal Dominant; Familial Hypercholesterolemia, Autosomal Dominant, 3; Familial hypercholesterolemia 3. Identifiers: MedGen C1863551, MONDO:0011369, OMIM 603776.
Cardiovascular phenotype. Identifiers: MedGen CN230736.
Familial hypercholesterolemia. Also called: Familial hypercholesterolaemia; Familial hypercholesterolemias. Identifiers: MedGen C0020445, MONDO:0005439.

Allele frequency attached by ClinVar (database versions not stated): gnomAD exomes 0.00002; gnomAD 0.00009 and 0.00007; ExAC 0.00001; TOPMed 0.00010.
gnomAD v4.1: 21 of 1,613,834 alleles (0.0013%); highest among the groups gnomAD compares: African/African-American, 0.021%; no homozygotes.

Submissions (6):

Labcorp Genetics (formerly Invitae), Labcorp
Classification: Likely benign for Hypercholesterolemia, autosomal dominant, 3. Last evaluated: 2025-08-21. Review status: criteria provided, single submitter. Criteria: Invitae Variant Classification Sherloc (09022015). Collection method: clinical testing. Allele origin: germline.

GENinCode PLC
Classification: Likely benign for Familial hypercholesterolemia. Last evaluated: 2023-11-30. Review status: criteria provided, single submitter. Criteria: ACMG Guidelines, 2015. Collection method: clinical testing. Allele origin: germline.
Comment: This is a synonymous (silent) variant that is not predicted by SpliceAI to impact splicing. In addition, it occurs at a nucleotide that is not conserved. Therefore this variant has been classified as Likely Benign (BP4, BP7).

All of Us Research Program, National Institutes of Health
Classification: Likely benign for Hypercholesterolemia, autosomal dominant, 3. Last evaluated: 2023-06-26. Review status: criteria provided, single submitter. Criteria: ACMG Guidelines, 2015. Collection method: clinical testing. Allele origin: germline. Inheritance: Autosomal dominant inheritance. Observed: 2 variant alleles, 2 heterozygotes.
Comment: This study involves interpretation of variants in research participants for the purpose of population health screening. Participant phenotype was not available at the time of variant classification. Additional details can be found in publication PMID: 35346344, PMCID: PMC8962531

Ambry Genetics
Classification: Likely benign for Cardiovascular phenotype. Last evaluated: 2021-05-15. Review status: criteria provided, single submitter. Criteria: Ambry Variant Classification Scheme 2023. Collection method: clinical testing. Allele origin: germline.

Color Diagnostics, LLC DBA Color Health
Classification: Likely benign for Familial hypercholesterolemia. Last evaluated: 2018-11-11. Review status: criteria provided, single submitter. Criteria: ACMG Guidelines, 2015. Collection method: clinical testing. Allele origin: germline.

PreventionGenetics, part of Exact Sciences
Classification: Likely benign for PCSK9-related condition. Last evaluated: 2023-12-06. Review status: no assertion criteria provided. Collection method: clinical testing. Allele origin: germline. Not counted in ClinVar's aggregate classification.
Comment: This variant is classified as likely benign based on ACMG/AMP sequence variant interpretation guidelines (Richards et al. 2015 PMID: 25741868, with internal and published modifications).